The following is an entry in ClinVar:

ClinVar aggregate classification (germline): Uncertain significance (1 of 4 stars; one submission).

Submission:

GeneDx
Classification: Uncertain significance. Last evaluated: 2024-11-19. Review status: criteria provided, single submitter. Criteria: GeneDx Variant Classification Process June 2021. Collection method: clinical testing. Allele origin: germline. Affected: yes.
Comment: Not observed at significant frequency in large population cohorts (gnomAD); In silico analysis supports that this missense variant has a deleterious effect on protein structure/function; Has not been previously published as pathogenic or benign to our knowledge

NM_181523.3(PIK3R1):c.563G>C (p.Arg188Pro)

Gene: PIK3R1 (phosphoinositide-3-kinase regulatory subunit 1; plus strand). Cytogenetic location: 5q13.1.
Variant type: single nucleotide variant.
Coding change: c.563G>C on transcript NM_181523.3 (MANE Select); coding-DNA position 563, G replaced by C.
Protein change: p.Arg188Pro; replaces arginine 188 with proline.
Molecular consequence: missense variant.
Genome position (GRCh38, 1-based): chr5:68,279,662, G>C. VCF-style: chr5-68279662-G-C. GRCh37 (hg19) VCF-style: chr5-67575490-G-C.
Other names: short protein forms R188P.
Identifiers: ClinVar variation 3900390 (VCV003900390.1).
Genomic context (GRCh38, chr5:68,279,662, plus strand): 5'-ATACACCCTCCGTGGACTTGGAAATGATCGATGTGCACGTTTTGGCTGACGCTTTCAAAC[G>C]CTATCTCCTGGACTTACCAAATCCTGTCATTCCAGCAGCCGTTTACAGTGAAATGATTTC-3'
Protein context (NP_852664.1, residues 178-198): DVHVLADAFK[Arg188Pro]YLLDLPNPVI